The following is an entry in ClinVar:

NM_001164665.2(KIAA1549):c.5330A>G (p.Glu1777Gly)

Gene: KIAA1549 (KIAA1549; minus strand). Cytogenetic location: 7q34.
Variant type: single nucleotide variant.
Coding change: c.5330A>G on transcript NM_001164665.2 (MANE Select); coding-DNA position 5330, A replaced by G.
Protein change: p.Glu1777Gly; replaces glutamic acid 1777 with glycine.
Molecular consequence: missense variant.
Genome position (GRCh38, 1-based): chr7:138,844,439, T>C on the plus strand (A>G on the coding strand, the complement: KIAA1549 is on the minus strand). VCF-style: chr7-138844439-T-C. GRCh37 (hg19) VCF-style: chr7-138529184-T-C.
Other names: c.5330A>G, p.Glu1777Gly (NM_020910.3); c.5330A>G (NM_001164665.1); short protein forms E1777G.
Identifiers: ClinVar variation 1508384 (VCV001508384.9), dbSNP rs2130334450, ClinGen allele CA369388999.

ClinVar aggregate classification (germline): Uncertain significance. Review status: criteria provided, multiple submitters, no conflicts (2 of 4 stars). 2 submissions from 2 submitters: Uncertain significance (2). Last evaluated 2025-12-04.

Conditions:
Inborn genetic diseases. Identifiers: MedGen C0950123, MeSH D030342.

Allele frequency attached by ClinVar (database versions not stated): gnomAD exomes below 0.00001.
gnomAD v4.1: 5 of 1,556,718 alleles (0.00032%); highest among the groups gnomAD compares: Admixed American, 0.0081%; no homozygotes.

Submissions (2):

Ambry Genetics
Classification: Uncertain significance for Inborn genetic diseases. Last evaluated: 2025-12-04. Review status: criteria provided, single submitter. Criteria: Ambry Variant Classification Scheme 2023. Collection method: clinical testing. Allele origin: germline.

Labcorp Genetics (formerly Invitae), Labcorp
Classification: Uncertain significance. Last evaluated: 2023-05-18. Review status: criteria provided, single submitter. Criteria: Invitae Variant Classification Sherloc (09022015). Collection method: clinical testing. Allele origin: germline.
Comment: This sequence change replaces glutamic acid, which is acidic and polar, with glycine, which is neutral and non-polar, at codon 1777 of the KIAA1549 protein (p.Glu1777Gly). This variant is not present in population databases (gnomAD no frequency). This variant has not been reported in the literature in individuals affected with KIAA1549-related conditions. ClinVar contains an entry for this variant (Variation ID: 1508384). An algorithm developed to predict the effect of missense changes on protein structure and function (PolyPhen-2) suggests that this variant is likely to be disruptive. In summary, the available evidence is currently insufficient to determine the role of this variant in disease. Therefore, it has been classified as a Variant of Uncertain Significance.